The following is an entry in ClinVar:

ClinVar aggregate classification (germline): Uncertain significance (1 of 4 stars; one submission).

Submission:

GeneDx
Classification: Uncertain significance. Last evaluated: 2025-03-14. Review status: criteria provided, single submitter. Criteria: GeneDx Variant Classification Process June 2021. Collection method: clinical testing. Allele origin: germline. Affected: yes.
Comment: Not observed at significant frequency in large population cohorts (gnomAD); In silico analysis supports that this missense variant has a deleterious effect on protein structure/function; Has not been previously published as pathogenic or benign to our knowledge

NM_018082.6(POLR3B):c.559A>T (p.Asn187Tyr)

Gene: POLR3B (RNA polymerase III subunit B; plus strand). Cytogenetic location: 12q23.3.
Variant type: single nucleotide variant.
Coding change: c.559A>T on transcript NM_018082.6 (MANE Select); coding-DNA position 559, A replaced by T.
Protein change: p.Asn187Tyr; replaces asparagine 187 with tyrosine.
Molecular consequence: missense variant.
Genome position (GRCh38, 1-based): chr12:106,378,329, A>T. VCF-style: chr12-106378329-A-T. GRCh37 (hg19) VCF-style: chr12-106772107-A-T.
Other names: c.385A>T, p.Asn129Tyr (NM_001160708.2); short protein forms N129Y, N187Y.
Identifiers: ClinVar variation 4086539 (VCV004086539.1).
Genomic context (GRCh38, chr12:106,378,329, plus strand): 5'-GGCTACTTCATTGTTAAAGGAGTAGAAAAAGTTATTCTTATCCAAGAGCAGCTGTCTAAG[A>T]ACAGGATCATCGTGGAGGCTGATAGAAAAGGGGCTGTTGGAGCTTCAGTTACCAGGTATG-3'
Protein context (NP_060552.4, residues 177-197): VILIQEQLSK[Asn187Tyr]RIIVEADRKG